The following is an entry in ClinVar:

NM_000264.5(PTCH1):c.110G>A (p.Gly37Glu)

Genes: PTCH1 (patched 1; minus strand), LOC130002133 (ATAC-STARR-seq lymphoblastoid silent region 20071; plus strand). Cytogenetic location: 9q22.32.
Variant type: single nucleotide variant.
Coding change: c.110G>A on transcript NM_000264.5 (MANE Select); coding-DNA position 110, G replaced by A.
Protein change: p.Gly37Glu; replaces glycine 37 with glutamic acid.
Molecular consequence: missense variant. On other transcripts: non-coding transcript variant (1), intron variant (3).
Genome position (GRCh38, 1-based): chr9:95,508,252, C>T on the plus strand (G>A on the coding strand, the complement: PTCH1 is on the minus strand). VCF-style: chr9-95508252-C-T. GRCh37 (hg19) VCF-style: chr9-98270534-C-T.
Other names: c.110G>A, p.Gly37Glu (NM_001354918.2); c.199-1653G>A (NM_001083603.3); c.4-1653G>A (NM_001083602.3, NM_001354919.2); short protein forms G37E.
Identifiers: ClinVar variation 565943 (VCV000565943.10), dbSNP rs748780206, ClinGen allele CA5139047.

ClinVar aggregate classification (germline): Conflicting classifications of pathogenicity. Review status: criteria provided, conflicting classifications (1 of 4 stars). 2 submissions from 2 submitters: Uncertain significance (1); Benign (1). Last evaluated 2025-10-10.

Conditions:
Hereditary cancer-predisposing syndrome. Also called: Neoplastic Syndromes, Hereditary; Tumor predisposition; Hereditary Cancer Syndrome; Hereditary neoplastic syndrome. Identifiers: Orphanet 140162, MedGen C0027672, MeSH D009386, MONDO:0015356.
Gorlin syndrome. Also called: Nevoid Basal Cell Carcinoma Syndrome; Basal cell nevus syndrome. Identifiers: Orphanet 377, MedGen C0004779, MONDO:0007187.

Allele frequency attached by ClinVar (database versions not stated): gnomAD exomes below 0.00001; ExAC 0.00001; gnomAD 0.00001; TOPMed 0.00002.
gnomAD v4.1: 5 of 1,601,446 alleles (0.00031%); highest among the groups gnomAD compares: East Asian, 0.011%; no homozygotes.

Submissions (2):

Ambry Genetics
Classification: Uncertain significance for Hereditary cancer-predisposing syndrome. Last evaluated: 2025-10-10. Review status: criteria provided, single submitter. Criteria: Ambry Variant Classification Scheme 2023. Collection method: clinical testing. Allele origin: germline.
Comment: The p.G37E variant (also known as c.110G>A), located in coding exon 1 of the PTCH1 gene, results from a G to A substitution at nucleotide position 110. The glycine at codon 37 is replaced by glutamic acid, an amino acid with similar properties. This amino acid position is well conserved in available vertebrate species. In addition, this alteration is predicted to be tolerated by in silico analysis. Since supporting evidence is limited at this time, the clinical significance of this alteration remains unclear.

Labcorp Genetics (formerly Invitae), Labcorp
Classification: Benign for Gorlin syndrome. Last evaluated: 2025-08-18. Review status: criteria provided, single submitter. Criteria: Invitae Variant Classification Sherloc (09022015). Collection method: clinical testing. Allele origin: germline.